The following is an entry in ClinVar:

NM_025137.4(SPG11):c.2517del (p.Asp840fs)

Gene: SPG11 (SPG11 vesicle trafficking associated, spatacsin; minus strand). Cytogenetic location: 15q21.1.
Variant type: Deletion.
Coding change: c.2517del on transcript NM_025137.4 (MANE Select); coding-DNA position 2517, one base deleted (A; older notation c.2517delA).
Protein change: p.Asp840fs; shifts the reading frame from aspartic acid 840.
Molecular consequence: frameshift variant.
Genome position (GRCh38, 1-based): chr15:44,621,862, T deleted on the plus strand (A on the coding strand, the reverse complement: SPG11 is on the minus strand); the first of 3 consecutive T bases (chr15:44,621,862-44,621,864); deleting any one gives the same sequence. VCF-style (leftmost placement, unchanged base first): chr15-44621861-CT-C. GRCh37 (hg19) VCF-style: chr15-44914059-CT-C.
Other names: c.2517delA (NM_025137.4); c.2517del, p.Asp840fs (NM_001160227.2); short protein forms D840fs.
Identifiers: ClinVar variation 1676261 (VCV001676261.2), dbSNP rs2141027980, ClinGen allele CA2497030178.
Genomic context (GRCh38, chr15:44,621,861, plus strand): 5'-GTTGATCCCACCACAGAGCCCAATTTAACACAATTCTATGGTCCTGTTTGTTAAATTCAT[CT>C]TTACAATCATATTTCAGGAATGAGTCCAAAACAGACTTGTGCTTGAAAAAATCTTGTTCC-3'

ClinVar aggregate classification (germline): Likely pathogenic (1 of 4 stars; one submission).

Conditions:
Hereditary spastic paraplegia 11. Also called: Spastic Paraplegia 11; Spastic paraplegia, mental retardation and thin corpus callosum; Nakamura Osame syndrome; Autosomal recessive hereditary spastic paraplegia, mental impairment, and thin corpus callosum; SPASTIC PARAPLEGIA, AUTOSOMAL RECESSIVE, COMPLICATED, WITH THIN CORPUS CALLOSUM; SPASTIC PARAPLEGIA, AUTOSOMAL RECESSIVE, WITH MENTAL IMPAIRMENT AND THIN CORPUS CALLOSUM. Identifiers: Orphanet 2822, MedGen C1858479, MONDO:0011445, OMIM 604360.

Submission:

Molecular Genetics, Royal Melbourne Hospital
Classification: Likely pathogenic for Hereditary spastic paraplegia 11. Last evaluated: 2021-10-01. Review status: criteria provided, single submitter. Criteria: ACMG Guidelines, 2015. Collection method: clinical testing. Allele origin: germline. Affected: yes.
Comment: This sequence change in SPG11 is a frameshift variant predicted to cause a premature stop codon (p.(Asp840Metfs*12)) in biologically-relevant-exon 14/40 leading to nonsense mediated decay in a gene in which loss-of-function is an established disease mechanism (PMID: 20301389). This variant is absent from gnomAD v2.1 and v3.1. To our knowledge, this variant has not been reported in the literature in any individuals with hereditary spastic paraplegia. Based on the classification scheme RMH Modified ACMG Guidelines v1.4.0, this variant is classified as LIKELY PATHOGENIC. Following criteria are met: PVS1, PM2_Supporting.

Literature cited by the submitters: PubMed 20301389.